The following is an entry in ClinVar:

NM_013275.6(ANKRD11):c.7820T>C (p.Met2607Thr)

Gene: ANKRD11 (ankyrin repeat domain containing 11; minus strand). Cytogenetic location: 16q24.3.
Variant type: single nucleotide variant.
Coding change: c.7820T>C on transcript NM_013275.6 (MANE Select); coding-DNA position 7820, T replaced by C.
Protein change: p.Met2607Thr; replaces methionine 2607 with threonine.
Molecular consequence: missense variant.
Genome position (GRCh38, 1-based): chr16:89,268,650, A>G on the plus strand (T>C on the coding strand, the complement: ANKRD11 is on the minus strand). VCF-style: chr16-89268650-A-G. GRCh37 (hg19) VCF-style: chr16-89335058-A-G.
Other names: c.7820T>C, p.Met2607Thr (NM_001256182.2, NM_001256183.2); short protein forms M2607T.
Identifiers: ClinVar variation 4528174 (VCV004528174.1).

ClinVar aggregate classification (germline): Uncertain significance (1 of 4 stars; one submission).

Submission:

GeneDx
Classification: Uncertain significance. Last evaluated: 2025-05-09. Review status: criteria provided, single submitter. Criteria: GeneDx Variant Classification Process June 2021. Collection method: clinical testing. Allele origin: germline. Affected: yes.
Comment: Not observed at significant frequency in large population cohorts (gnomAD); In silico analysis supports that this missense variant has a deleterious effect on protein structure/function; Has not been previously published as pathogenic or benign to our knowledge